The following is an entry in ClinVar:

ClinVar aggregate classification (germline): Uncertain significance (1 of 4 stars; one submission).

Conditions:
Leigh syndrome (NULS). Also called: Leigh's necrotizing encephalopathy; Leigh's disease; Leigh Syndrome (mtDNA deletion); Leigh Disease; Subacute necrotizing encephalopathy; Necrotizing encephalopathy infantile subacute of Leigh. Identifiers: Orphanet 506, MedGen C2931891, MONDO:0009723, OMIM 256000.

Submission:

Wong Mito Lab, Molecular and Human Genetics, Baylor College of Medicine
Classification: Uncertain significance for Leigh syndrome. Last evaluated: 2019-10-17. Review status: criteria provided, single submitter. Criteria: Modified ACMG Guidelines (Unpublished). Collection method: clinical testing. Allele origin: germline.
Comment: The NC_012920.1:m.12382A>G (YP_003024036.1:p.Ile16Val) variant in MTND5 gene is interpretated to be a Uncertain Significance variant based on the modified ACMG guidelines (unpublished). This variant meets the following evidence codes: PP7

NC_012920.1(MT-ND5):m.12382A>G

Gene: MT-ND5 (mitochondrially encoded NADH dehydrogenase 5; plus strand).
Variant type: single nucleotide variant.
Genome position: chrM-12382-A-G.
Identifiers: ClinVar variation 693429 (VCV000693429.1), dbSNP rs1603223707, ClinGen allele CA414812899.